The following is an entry in ClinVar:

NM_001354930.2(RIPK1):c.221G>A (p.Arg74Gln)

Gene: RIPK1 (receptor interacting serine/threonine kinase 1; plus strand). Cytogenetic location: 6p25.2.
Variant type: single nucleotide variant.
Coding change: c.221G>A on transcript NM_001354930.2 (MANE Select); coding-DNA position 221, G replaced by A.
Protein change: p.Arg74Gln; replaces arginine 74 with glutamine.
Molecular consequence: missense variant. On other transcripts: 5 prime UTR variant (4).
Genome position (GRCh38, 1-based): chr6:3,077,835, G>A. VCF-style: chr6-3077835-G-A. GRCh37 (hg19) VCF-style: chr6-3078069-G-A.
Other names: c.-383G>A (NM_001317061.3, NM_001354932.2, NM_001354933.2 and 1 more transcripts); c.221G>A, p.Arg74Gln (NM_001354931.2, NM_003804.6); short protein forms R74Q.
Identifiers: ClinVar variation 1385045 (VCV001385045.5), dbSNP rs764169435, ClinGen allele CA3618118.

ClinVar aggregate classification (germline): Uncertain significance (1 of 4 stars; one submission).

Allele frequency attached by ClinVar (database versions not stated): ExAC 0.00001; gnomAD 0.00001; gnomAD exomes 0.00001; TOPMed 0.00001.
gnomAD v4.1: 22 of 1,614,078 alleles (0.0014%); highest among the groups gnomAD compares: Admixed American, 0.015%; no homozygotes.

Submission:

Labcorp Genetics (formerly Invitae), Labcorp
Classification: Uncertain significance. Last evaluated: 2025-02-13. Review status: criteria provided, single submitter. Criteria: Invitae Variant Classification Sherloc (09022015). Collection method: clinical testing. Allele origin: germline.
Comment: This sequence change replaces arginine, which is basic and polar, with glutamine, which is neutral and polar, at codon 74 of the RIPK1 protein (p.Arg74Gln). This variant is present in population databases (rs764169435, gnomAD 0.006%). This variant has not been reported in the literature in individuals affected with RIPK1-related conditions. ClinVar contains an entry for this variant (Variation ID: 1385045). An algorithm developed to predict the effect of missense changes on protein structure and function (PolyPhen-2) suggests that this variant is likely to be disruptive. In summary, the available evidence is currently insufficient to determine the role of this variant in disease. Therefore, it has been classified as a Variant of Uncertain Significance.